The following is an entry in ClinVar:

NM_001148.6(ANK2):c.2773T>G (p.Ser925Ala)

Gene: ANK2 (ankyrin 2; plus strand). Cytogenetic location: 4q26.
Variant type: single nucleotide variant.
Coding change: c.2773T>G on transcript NM_001148.6 (MANE Select); coding-DNA position 2773, T replaced by G.
Protein change: p.Ser925Ala; replaces serine 925 with alanine.
Molecular consequence: missense variant.
Genome position (GRCh38, 1-based): chr4:113,317,786, T>G. VCF-style: chr4-113317786-T-G. GRCh37 (hg19) VCF-style: chr4-114238942-T-G.
Other names: c.2710T>G, p.Ser904Ala (NM_001127493.3, NM_001354243.2, NM_001354255.2 and 3 more transcripts); c.2785T>G, p.Ser929Ala (NM_001354225.2); c.2773T>G, p.Ser925Ala (NM_001354228.2, NM_001354232.2, NM_001354258.2 and 1 more transcripts); c.2815T>G, p.Ser939Ala (NM_001354230.2, NM_001354231.2, NM_001354237.2 and 1 more transcripts); c.2770T>G, p.Ser924Ala (NM_001354235.2, NM_001354236.2, NM_001354246.2 and 1 more transcripts); c.2707T>G, p.Ser903Ala (NM_001354239.2, NM_001354244.2, NM_001354252.2 and 3 more transcripts); c.2818T>G, p.Ser940Ala (NM_001354240.2, NM_001354241.2, NM_001386144.1); c.2674T>G, p.Ser892Ala (NM_001354245.2, NM_001354268.2); and 17 more; short protein forms S863A, S920A, S952A, S134A, S797A, S892A, S896A, S903A.
Identifiers: ClinVar variation 3540300 (VCV003540300.1).
Genomic context (GRCh38, chr4:113,317,786, plus strand): 5'-GACAGGTCTCACACTCTGAGCCATGCCTCCTACCTGAGGGACAGTGCCGTGATGGATGAC[T>G]CAGTTGTGATTCCCAGTCACCAGGTATGTGACATTTTGCCTTCATGTCTTTGCTTTCTGG-3'
Protein context (NP_001139.3, residues 915-935): YLRDSAVMDD[Ser925Ala]VVIPSHQVST

ClinVar aggregate classification (germline): Uncertain significance (1 of 4 stars; one submission).

Conditions:
Cardiovascular phenotype. Identifiers: MedGen CN230736.

Submission:

Ambry Genetics
Classification: Uncertain significance for Cardiovascular phenotype. Last evaluated: 2024-10-28. Review status: criteria provided, single submitter. Criteria: Ambry Variant Classification Scheme 2023. Collection method: clinical testing. Allele origin: germline.
Comment: The p.S925A variant (also known as c.2773T>G), located in coding exon 25 of the ANK2 gene, results from a T to G substitution at nucleotide position 2773. The serine at codon 925 is replaced by alanine, an amino acid with similar properties. This amino acid position is conserved. In addition, this alteration is predicted to be tolerated by in silico analysis. Based on the available evidence, the clinical significance of this variant remains unclear.